The following is an entry in ClinVar:

ClinVar aggregate classification (germline): Likely pathogenic. Review status: criteria provided, multiple submitters, no conflicts (2 of 4 stars). 2 submissions from 2 submitters: Likely pathogenic (2). Last evaluated 2026-03-24.

Conditions:
Thrombocytopenia. Identifiers: MedGen C0040034, MeSH D013921, MONDO:0002049, HP:0001873.

Submissions (2):

GeneDx
Classification: Likely pathogenic. Last evaluated: 2026-03-24. Review status: criteria provided, single submitter. Criteria: GeneDx Variant Classification Process June 2021. Collection method: clinical testing. Allele origin: germline.
Comment: Identified with a second variant in a patient with an unspecified bleeding disorder, however detailed clinical information was not provided (PMID: 31064749); Frameshift variant predicted to result in abnormal protein length as the last 495 amino acid(s) are replaced with 15 different amino acid(s), and other similar variants have been reported in HGMD; Not observed at significant frequency in large population cohorts (gnomAD); This variant is associated with the following publications: (PMID: 31064749)

NIHR Bioresource Rare Diseases, University of Cambridge
Classification: Likely pathogenic for Thrombocytopenia. Last evaluated: 2019-02-01. Review status: criteria provided, single submitter. Criteria: ACMG Guidelines, 2015. Collection method: research. Allele origin: unknown. Affected: yes. Observed: 1 compound heterozygote. Study: ThromboGenomics.

Literature cited by the submitters: PubMed 31064749 (cited by NIHR Bioresource Rare Diseases, University of Cambridge).

NM_000173.7(GP1BA):c.470dup (p.Gly158fs)

Gene: GP1BA (glycoprotein Ib platelet subunit alpha; plus strand). Cytogenetic location: 17p13.2.
Variant type: Duplication.
Coding change: c.470dup on transcript NM_000173.7 (MANE Select); coding-DNA position 470, one base duplicated (C; older notation c.470dupC).
Protein change: p.Gly158fs; shifts the reading frame from glycine 158.
Molecular consequence: frameshift variant.
Genome position (GRCh38, 1-based): chr17:4,933,074, C duplicated; the last of 5 consecutive C bases (chr17:4,933,070-4,933,074); duplicating any one gives the same sequence. VCF-style (leftmost placement, unchanged base first): chr17-4933069-G-GC. GRCh37 (hg19) VCF-style: chr17-4836364-G-GC.
Other names: c.470dupC (NM_000173.5); c.470dup (NM_000173.5); short protein forms G158fs.
Identifiers: ClinVar variation 627316 (VCV000627316.4), dbSNP rs1597638753, ClinGen allele CA915949478.